The following is an entry in ClinVar:

NM_000368.5(TSC1):c.1030-5C>T

Gene: TSC1 (TSC complex subunit 1; minus strand). Cytogenetic location: 9q34.13.
Variant type: single nucleotide variant.
Coding change: c.1030-5C>T on transcript NM_000368.5 (MANE Select); 5 bases into the intron before coding-DNA position 1030, C replaced by T.
Molecular consequence: intron variant.
Genome position (GRCh38, 1-based): chr9:132,911,118, G>A on the plus strand (C>T on the coding strand, the complement: TSC1 is on the minus strand). VCF-style: chr9-132911118-G-A. GRCh37 (hg19) VCF-style: chr9-135786505-G-A.
Other names: c.667-5C>T (NM_001362177.2); c.877-5C>T (NM_001162427.2); c.1030-5C>T (NM_001162426.2).
Identifiers: ClinVar variation 1137057 (VCV001137057.13), dbSNP rs1588323218, ClinGen allele CA2499219722.

ClinVar aggregate classification (germline): Conflicting classifications of pathogenicity. Review status: criteria provided, conflicting classifications (1 of 4 stars). 4 submissions from 4 submitters: Uncertain significance (1); Likely benign (3). Last evaluated 2025-04-29.

Conditions:
Hereditary cancer-predisposing syndrome. Also called: Neoplastic Syndromes, Hereditary; Hereditary neoplastic syndrome; Tumor predisposition; Hereditary Cancer Syndrome. Identifiers: Orphanet 140162, MedGen C0027672, MeSH D009386, MONDO:0015356.
Tuberous sclerosis 1 (TSC1). Identifiers: Orphanet 805, MedGen C1854465, MONDO:0008612, OMIM 191100.

Allele frequency attached by ClinVar (database versions not stated): gnomAD exomes below 0.00001.
gnomAD v4.1: 1 of 1,610,002 alleles (0.000062%); highest among the groups gnomAD compares: Non-Finnish European, 0.000085%; no homozygotes.

Submissions (4):

Women's Health and Genetics/Laboratory Corporation of America, LabCorp
Classification: Likely benign. Last evaluated: 2025-04-29. Review status: criteria provided, single submitter. Criteria: LabCorp Variant Classification Summary - May 2015. Collection method: clinical testing. Allele origin: germline.

Myriad Genetics, Inc.
Classification: Likely benign for Tuberous sclerosis 1. Last evaluated: 2025-04-09. Review status: criteria provided, single submitter. Criteria: Myriad Autosomal Dominant, Autosomal Recessive and X-Linked Classification Criteria (2023). Collection method: clinical testing. Allele origin: unknown.
Comment: This variant is considered likely benign. This variant is intronic and is not expected to impact mRNA splicing.

Labcorp Genetics (formerly Invitae), Labcorp
Classification: Likely benign for Tuberous sclerosis 1. Last evaluated: 2024-01-06. Review status: criteria provided, single submitter. Criteria: Invitae Variant Classification Sherloc (09022015). Collection method: clinical testing. Allele origin: germline.

Ambry Genetics
Classification: Uncertain significance for Hereditary cancer-predisposing syndrome. Last evaluated: 2020-12-31. Review status: criteria provided, single submitter. Criteria: Ambry Variant Classification Scheme 2023. Collection method: clinical testing. Allele origin: germline.
Comment: The c.1030-5C>T intronic variant results from a C to T substitution 5 nucleotides upstream from coding exon 9 in the TSC1 gene. This nucleotide position is not well conserved in available vertebrate species. In silico splice site analysis predicts that this alteration will not have any significant effect on splicing. Since supporting evidence is limited at this time, the clinical significance of this alteration remains unclear.